The following is an entry in ClinVar:

NM_144643.4(SCLT1):c.175C>G (p.Leu59Val)

Gene: SCLT1 (sodium channel and clathrin linker 1; minus strand). Cytogenetic location: 4q28.2.
Variant type: single nucleotide variant.
Coding change: c.175C>G on transcript NM_144643.4 (MANE Select); coding-DNA position 175, C replaced by G.
Protein change: p.Leu59Val; replaces leucine 59 with valine.
Molecular consequence: missense variant.
Genome position (GRCh38, 1-based): chr4:129,043,454, G>C on the plus strand (C>G on the coding strand, the complement: SCLT1 is on the minus strand). VCF-style: chr4-129043454-G-C. GRCh37 (hg19) VCF-style: chr4-129964609-G-C.
Other names: c.175C>G, p.Leu59Val (NM_001300897.2, NM_001300898.2); c.175C>G (NM_144643.2); short protein forms L59V.
Identifiers: ClinVar variation 1439591 (VCV001439591.9), dbSNP rs773016386, ClinGen allele CA3080043.
Genomic context (GRCh38, chr4:129,043,454, plus strand): 5'-CCTGGTAATATTTCAGCTGCCCATTTAGTTCTCCTAGGTGTTTATCATACTCAGTAACAA[G>C]AGGAGCTAAAAAGCTAAAAAAAGACAATAAAAATATAGCATATTCTGTTCCATCTAGTTT-3'
Protein context (NP_653244.2, residues 49-69): LVFDQSFLAP[Leu59Val]VTEYDKHLGE

ClinVar aggregate classification (germline): Uncertain significance. Review status: criteria provided, multiple submitters, no conflicts (2 of 4 stars). 2 submissions from 2 submitters: Uncertain significance (2). Last evaluated 2025-10-22.

Allele frequency attached by ClinVar (database versions not stated): gnomAD exomes below 0.00001 and 0.00001; gnomAD 0.00001; ExAC 0.00002; TOPMed 0.00003.
gnomAD v4.1: 7 of 1,518,880 alleles (0.00046%); highest among the groups gnomAD compares: African/African-American, 0.0055%; no homozygotes.

Submissions (2):

Ambry Genetics
Classification: Uncertain significance. Last evaluated: 2025-10-22. Review status: criteria provided, single submitter. Criteria: Ambry Variant Classification Scheme 2023. Collection method: clinical testing. Allele origin: germline.

Labcorp Genetics (formerly Invitae), Labcorp
Classification: Uncertain significance. Last evaluated: 2022-03-19. Review status: criteria provided, single submitter. Criteria: Invitae Variant Classification Sherloc (09022015). Collection method: clinical testing. Allele origin: germline.
Comment: This variant is present in population databases (rs773016386, gnomAD 0.007%). This sequence change replaces leucine, which is neutral and non-polar, with valine, which is neutral and non-polar, at codon 59 of the SCLT1 protein (p.Leu59Val). This variant has not been reported in the literature in individuals affected with SCLT1-related conditions. In summary, the available evidence is currently insufficient to determine the role of this variant in disease. Therefore, it has been classified as a Variant of Uncertain Significance. Algorithms developed to predict the effect of missense changes on protein structure and function are either unavailable or do not agree on the potential impact of this missense change (SIFT: "Tolerated"; PolyPhen-2: "Probably Damaging"; Align-GVGD: "Class C0").